The following is an entry in ClinVar:

NM_001360.3(DHCR7):c.651C>A (p.Tyr217Ter)

Gene: DHCR7 (7-dehydrocholesterol reductase; minus strand). Cytogenetic location: 11q13.4.
Variant type: single nucleotide variant.
Coding change: c.651C>A on transcript NM_001360.3 (MANE Select); coding-DNA position 651, C replaced by A.
Protein change: p.Tyr217Ter; replaces tyrosine 217 with a stop codon.
Molecular consequence: nonsense.
Genome position (GRCh38, 1-based): chr11:71,439,059, G>T on the plus strand (C>A on the coding strand, the complement: DHCR7 is on the minus strand). VCF-style: chr11-71439059-G-T. GRCh37 (hg19) VCF-style: chr11-71150105-G-T.
Other names: c.651C>A, p.Tyr217Ter (NM_001163817.2); short protein forms Y217*.
Identifiers: ClinVar variation 633186 (VCV000633186.19), dbSNP rs749076525, ClinGen allele CA6162500.

ClinVar aggregate classification (germline): Pathogenic/Likely pathogenic. Review status: criteria provided, multiple submitters, no conflicts (2 of 4 stars). 7 submissions from 7 submitters: Pathogenic (6); Likely pathogenic (1). Last evaluated 2025-08-15.

Conditions:
Smith-Lemli-Opitz syndrome (SLOS). Also called: LETHAL ACRODYSGENITAL SYNDROME; POLYDACTYLY, SEX REVERSAL, RENAL HYPOPLASIA, AND UNILOBAR LUNG; RSH SYNDROME; RUTLEDGE LETHAL MULTIPLE CONGENITAL ANOMALY SYNDROME; 7-Dehydrocholesterol reductase deficiency. Identifiers: Orphanet 818, MedGen C0175694, MONDO:0010035, OMIM 270400.

Allele frequency attached by ClinVar (database versions not stated): ExAC 0.00001; gnomAD 0.00001; gnomAD exomes 0.00001.
gnomAD v4.1: 17 of 1,613,950 alleles (0.0011%); highest among the groups gnomAD compares: Non-Finnish European, 0.0014%; no homozygotes.

Submissions (7):

Variantyx, Inc.
Classification: Likely pathogenic for Smith-Lemli-Opitz syndrome. Last evaluated: 2025-08-15. Review status: criteria provided, single submitter. Criteria: Variantyx Assertion Criteria 2022. Collection method: clinical testing. Allele origin: germline. Inheritance: Autosomal recessive inheritance. Affected: no.
Comment: This is a nonsense variant in the DHCR7 gene (OMIM: 602858). Pathogenic variants in this gene have been associated with autosomal recessive Smith-Lemli-Opitz syndrome. This variant introduces a premature termination codon in exon 7 out of 9 and is expected to result in loss of function, which is a known disease mechanism for DHCR7 in this disorder (PVS1) (PMID:10710236) It has a 0.0014% maximum allele frequency in non-founder control populations (PM2). Based on the current evidence, this variant is classified as likely pathogenic for autosomal recessive Smith-Lemli-Opitz syndrome.

Dasa
Classification: Pathogenic. Last evaluated: 2024-11-05. Review status: criteria provided, single submitter. Criteria: DASA Assertion Criteria. Collection method: clinical testing. Allele origin: germline.
Comment: NM_001360.3(DHCR7):c.651C>A (p.Tyr217*) introduces a premature termination codon predicted to result in loss of normal protein function. Loss-of-function is an established mechanism of disease for this gene. This variant has been observed in affected individuals with related phenotype in a genotype context consistent with recessive disease (PMID: 11111101). This variant has been reported in individuals with related phenotype (PMID: 11111101). The variant is present at low frequency in population datasets. Based on the available data, this variant is classified as pathogenic.

GeneDx
Classification: Pathogenic. Last evaluated: 2024-07-15. Review status: criteria provided, single submitter. Criteria: GeneDx Variant Classification Process June 2021. Collection method: clinical testing. Allele origin: germline. Affected: yes.
Comment: Nonsense variant predicted to result in protein truncation or nonsense mediated decay in a gene for which loss of function is a known mechanism of disease; Not observed at significant frequency in large population cohorts (gnomAD); This variant is associated with the following publications: (PMID: 23042628, 25525159, 28166604, Avdeichik[abstract], 11111101)

Labcorp Genetics (formerly Invitae), Labcorp
Classification: Pathogenic for Smith-Lemli-Opitz syndrome. Last evaluated: 2024-02-14. Review status: criteria provided, single submitter. Criteria: Invitae Variant Classification Sherloc (09022015). Collection method: clinical testing. Allele origin: germline.
Comment: This sequence change creates a premature translational stop signal (p.Tyr217*) in the DHCR7 gene. It is expected to result in an absent or disrupted protein product. Loss-of-function variants in DHCR7 are known to be pathogenic (PMID: 9634533, 10677299). This variant is present in population databases (rs749076525, gnomAD 0.002%). This premature translational stop signal has been observed in individual(s) with Smith–Lemli–Opitz syndrome (PMID: 11111101). ClinVar contains an entry for this variant (Variation ID: 633186). For these reasons, this variant has been classified as Pathogenic.

Fulgent Genetics
Classification: Pathogenic for Smith-Lemli-Opitz syndrome. Last evaluated: 2021-12-12. Review status: criteria provided, single submitter. Criteria: ACMG Guidelines, 2015. Collection method: clinical testing. Allele origin: unknown.

Women's Health and Genetics/Laboratory Corporation of America, LabCorp
Classification: Pathogenic for Smith-Lemli-Opitz syndrome. Last evaluated: 2019-11-04. Review status: criteria provided, single submitter. Criteria: LabCorp Variant Classification Summary - May 2015. Collection method: clinical testing. Allele origin: germline.
Comment: Variant summary: DHCR7 c.651C>A (p.Tyr217X) results in a premature termination codon, predicted to cause a truncation of the encoded protein or absence of the protein due to nonsense mediated decay, which are commonly known mechanisms for disease. At-least one splice site and several missense variants located downstream of this position with experimental evidence supporting loss of function have been classified as pathogenic by our laboratory. The variant allele was found at a frequency of 3.9e-06 in 776096 control chromosomes. c.651C>A has been reported in the literature in individuals affected with Smith-Lemli-Opitz Syndrome (example, Waterham_2000). To our knowledge, no experimental evidence demonstrating an impact on protein function has been reported. No clinical diagnostic laboratories have submitted clinical-significance assessments for this variant to ClinVar after 2014. Based on the evidence outlined above, the variant was classified as pathogenic.

Kariminejad - Najmabadi Pathology & Genetics Center
Classification: Pathogenic for Smith-Lemli-Opitz syndrome. Review status: criteria provided, single submitter. Criteria: ACMG Guidelines, 2015. Collection method: clinical testing. Allele origin: germline. Affected: no.

Literature cited by the submitters: PubMed 10710236 (cited by Variantyx, Inc.); PubMed 11111101 (cited by 3 submitters); PubMed 9634533 (cited by Labcorp Genetics (formerly Invitae), Labcorp); PubMed 10677299 (cited by Labcorp Genetics (formerly Invitae), Labcorp); PubMed 23042628 (cited by Women's Health and Genetics/Laboratory Corporation of America, LabCorp); PubMed 28166604 (cited by Women's Health and Genetics/Laboratory Corporation of America, LabCorp).